The following is an entry in ClinVar:

NM_002055.5(GFAP):c.428A>G (p.Asn143Ser)

Gene: GFAP (glial fibrillary acidic protein; minus strand). Cytogenetic location: 17q21.31.
Variant type: single nucleotide variant.
Coding change: c.428A>G on transcript NM_002055.5 (MANE Select); coding-DNA position 428, A replaced by G.
Protein change: p.Asn143Ser; replaces asparagine 143 with serine.
Molecular consequence: missense variant.
Genome position (GRCh38, 1-based): chr17:44,915,059, T>C on the plus strand (A>G on the coding strand, the complement: GFAP is on the minus strand). VCF-style: chr17-44915059-T-C. GRCh37 (hg19) VCF-style: chr17-42992427-T-C.
Other names: c.428A>G, p.Asn143Ser (NM_001131019.3, NM_001242376.3, NM_001363846.2); short protein forms N143S.
Identifiers: ClinVar variation 3063710 (VCV003063710.1), dbSNP rs529014360, ClinGen allele CA8609032.

ClinVar aggregate classification (germline): Uncertain significance (1 of 4 stars; one submission).

Allele frequency attached by ClinVar (database versions not stated): gnomAD exomes below 0.00001; gnomAD 0.00001; ExAC 0.00002; 1000 Genomes Project 0.00020; 1000 Genomes Project 30x 0.00031.
gnomAD v4.1: 8 of 1,612,926 alleles (0.0005%); highest among the groups gnomAD compares: South Asian, 0.0044%; no homozygotes.

Submission:

Women's Health and Genetics/Laboratory Corporation of America, LabCorp
Classification: Uncertain significance. Last evaluated: 2024-01-30. Review status: criteria provided, single submitter. Criteria: LabCorp Variant Classification Summary - May 2015. Collection method: clinical testing. Allele origin: germline.
Comment: Variant summary: GFAP c.428A>G (p.Asn143Ser) results in a conservative amino acid change located in the Intermediate filament, rod domain (IPR039008) of the encoded protein sequence. Three of five in-silico tools predict a benign effect of the variant on protein function. The variant allele was found at a frequency of 1.6e-05 in 249574 control chromosomes. The available data on variant occurrences in the general population are insufficient to allow any conclusion about variant significance. To our knowledge, no occurrence of c.428A>G in individuals affected with Alexander Disease and no experimental evidence demonstrating its impact on protein function have been reported. No submitters have reported clinical-significance assessments for this variant to ClinVar. Based on the evidence outlined above, the variant was classified as uncertain significance.